The following is an entry in ClinVar:

NM_002660.3(PLCG1):c.1955G>C (p.Arg652Pro)

Gene: PLCG1 (phospholipase C gamma 1; plus strand). Cytogenetic location: 20q12.
Variant type: single nucleotide variant.
Coding change: c.1955G>C on transcript NM_002660.3 (MANE Select); coding-DNA position 1955, G replaced by C.
Protein change: p.Arg652Pro; replaces arginine 652 with proline.
Molecular consequence: missense variant.
Genome position (GRCh38, 1-based): chr20:41,166,349, G>C. VCF-style: chr20-41166349-G-C. GRCh37 (hg19) VCF-style: chr20-39794989-G-C.
Other names: c.1955G>C, p.Arg652Pro (NM_182811.2); short protein forms R652P.
Identifiers: ClinVar variation 5001783 (VCV005001783.1).

ClinVar aggregate classification (germline): Uncertain significance (1 of 4 stars; one submission).

Conditions:
PLCG1-related disorder. Also called: PLCG1-related condition.

Submission:

PreventionGenetics, part of Exact Sciences
Classification: Uncertain significance for PLCG1-related condition. Last evaluated: 2026-09-21. Review status: criteria provided, single submitter. Criteria: ACMG Guidelines, 2015. Collection method: clinical testing. Allele origin: germline.
Comment: The PLCG1 c.1955G>C variant is predicted to result in the amino acid substitution p.Arg652Pro. To our knowledge, this variant has not been reported in the literature or in a large population database (gnomAD), indicating this variant is rare. At this time, the clinical significance of this variant is uncertain due to the absence of conclusive functional and genetic evidence.